The following is an entry in ClinVar:

NM_000492.4(CFTR):c.3565A>G (p.Lys1189Glu)

Genes: CFTR (CF transmembrane conductance regulator; plus strand), CFTR-AS2 (CFTR antisense RNA 2; minus strand). Cytogenetic location: 7q31.2.
Variant type: single nucleotide variant.
Coding change: c.3565A>G on transcript NM_000492.4 (MANE Select); coding-DNA position 3565, A replaced by G.
Protein change: p.Lys1189Glu; replaces lysine 1189 with glutamic acid.
Molecular consequence: missense variant.
Genome position (GRCh38, 1-based): chr7:117,627,618, A>G. VCF-style: chr7-117627618-A-G. GRCh37 (hg19) VCF-style: chr7-117267672-A-G.
Other names: short protein forms K1189E.
Identifiers: ClinVar variation 3832595 (VCV003832595.1).

ClinVar aggregate classification (germline): Uncertain significance (1 of 4 stars; one submission).

Conditions:
Cystic fibrosis (CF). Also called: MUCOVISCIDOSIS. Identifiers: Orphanet 586, MedGen C0010674, MONDO:0009061, OMIM 219700. Disease mechanism: loss of function.

gnomAD v4.1: 3 of 1,613,526 alleles (0.00019%); highest among the groups gnomAD compares: Non-Finnish European, 0.00025%; no homozygotes.

Submission:

Ambry Genetics
Classification: Uncertain significance for Cystic fibrosis. Last evaluated: 2025-02-15. Review status: criteria provided, single submitter. Criteria: Ambry Variant Classification Scheme 2023. Collection method: clinical testing. Allele origin: germline.
Comment: The p.K1189E variant (also known as c.3565A>G), located in coding exon 22 of the CFTR gene, results from an A to G substitution at nucleotide position 3565. The lysine at codon 1189 is replaced by glutamic acid, an amino acid with similar properties. This amino acid position is conserved. In addition, the in silico prediction for this alteration is inconclusive. Based on the available evidence, the clinical significance of this variant remains unclear.